The following is an entry in ClinVar:

ClinVar aggregate classification (germline): Conflicting classifications of pathogenicity. Review status: criteria provided, conflicting classifications (1 of 4 stars). 4 submissions from 4 submitters: Uncertain significance (1); Benign (1); Likely benign (2). Last evaluated 2026-01-20.

Conditions:
Hereditary nonpolyposis colorectal neoplasms. Identifiers: MedGen C0009405, MeSH D003123.
Hereditary cancer-predisposing syndrome. Also called: Hereditary neoplastic syndrome; Neoplastic Syndromes, Hereditary; Tumor predisposition; Hereditary Cancer Syndrome. Identifiers: Orphanet 140162, MedGen C0027672, MeSH D009386, MONDO:0015356.
Lynch syndrome 5 (LYNCH5). Also called: Hereditary non-polyposis colorectal cancer, type 5; Colorectal cancer, hereditary nonpolyposis, type 5. Identifiers: Orphanet 144, MedGen C1833477, MONDO:0013710, OMIM 614350. Disease mechanism: loss of function.

Allele frequency attached by ClinVar (database versions not stated): gnomAD exomes below 0.00001 and 0.00001; ExAC 0.00001; gnomAD 0.00001; TOPMed 0.00002.
gnomAD v4.1: 10 of 1,612,672 alleles (0.00062%); highest among the groups gnomAD compares: East Asian, 0.0022%; no homozygotes.

Submissions (4):

Labcorp Genetics (formerly Invitae), Labcorp
Classification: Likely benign for Hereditary nonpolyposis colorectal neoplasms. Last evaluated: 2026-01-20. Review status: criteria provided, single submitter. Criteria: Invitae Variant Classification Sherloc (09022015). Collection method: clinical testing. Allele origin: germline.

Myriad Genetics, Inc.
Classification: Benign for Lynch syndrome 5. Last evaluated: 2024-12-31. Review status: criteria provided, single submitter. Criteria: Myriad Autosomal Dominant, Autosomal Recessive and X-Linked Classification Criteria (2023). Collection method: clinical testing. Allele origin: unknown.
Comment: This variant is considered benign. This variant is a silent/synonymous amino acid change and it is not expected to impact splicing.

Quest Diagnostics Nichols Institute San Juan Capistrano
Classification: Uncertain significance. Last evaluated: 2020-01-10. Review status: criteria provided, single submitter. Criteria: Quest Diagnostics criteria. Collection method: clinical testing. Allele origin: unknown.

Ambry Genetics
Classification: Likely benign for Hereditary cancer-predisposing syndrome. Last evaluated: 2014-09-02. Review status: criteria provided, single submitter. Criteria: Ambry Variant Classification Scheme 2023. Collection method: clinical testing. Allele origin: germline.

NM_000179.3(MSH6):c.2520C>T (p.Ser840=)

Gene: MSH6 (mutS homolog 6; plus strand). Cytogenetic location: 2p16.3.
Variant type: single nucleotide variant.
Coding change: c.2520C>T on transcript NM_000179.3 (MANE Select); coding-DNA position 2520, C replaced by T.
Protein change: p.Ser840=; no amino-acid change (serine 840 retained).
Molecular consequence: synonymous variant.
Genome position (GRCh38, 1-based): chr2:47,800,503, C>T. VCF-style: chr2-47800503-C-T. GRCh37 (hg19) VCF-style: chr2-48027642-C-T.
Other names: c.2130C>T, p.Ser710= (NM_001281492.2); c.1614C>T, p.Ser538= (NM_001281493.2, NM_001281494.2).
Identifiers: ClinVar variation 186127 (VCV000186127.17), dbSNP rs781241667, ClinGen allele CA010342.
Genomic context (GRCh38, chr2:47,800,503, plus strand): 5'-GCTACTCAGTAAAATTCATAATGTTGGGTCTCCCCTGAAGAGTCAGAACCACCCAGACAG[C>T]AGGGCTATAATGTATGAAGAAACTACATACAGCAAGAAGAAGATTATTGATTTTCTTTCT-3'
Protein context (NP_000170.1, residues 830-850): SPLKSQNHPD[Ser840=]RAIMYEETTY